The following is an entry in ClinVar:

ClinVar aggregate classification (germline): Uncertain significance (1 of 4 stars; one submission).

Allele frequency attached by ClinVar (database versions not stated): ExAC 0.00001; TOPMed 0.00001.
gnomAD v4.1: 4 of 1,613,462 alleles (0.00025%); highest among the groups gnomAD compares: Non-Finnish European, 0.00034%; no homozygotes.

Submission:

CeGaT Center for Human Genetics Tuebingen
Classification: Uncertain significance. Last evaluated: 2022-05-01. Review status: criteria provided, single submitter. Criteria: CeGaT Center For Human Genetics Tuebingen Variant Classification Criteria Version 2. Collection method: clinical testing. Allele origin: germline. Affected: yes. Observed: 1 variant allele.
Comment: TTN: PM2, BP4

NM_001267550.2(TTN):c.25208A>G (p.Asp8403Gly)

Gene: TTN (titin; minus strand). Cytogenetic location: 2q31.2.
Variant type: single nucleotide variant.
Coding change: c.25208A>G on transcript NM_001267550.2 (MANE Select); coding-DNA position 25208, A replaced by G.
Protein change: p.Asp8403Gly; replaces aspartic acid 8403 with glycine.
Molecular consequence: missense variant. On other transcripts: intron variant (3).
Genome position (GRCh38, 1-based): chr2:178,717,666, T>C on the plus strand (A>G on the coding strand, the complement: TTN is on the minus strand). VCF-style: chr2-178717666-T-C. GRCh37 (hg19) VCF-style: chr2-179582393-T-C.
Other names: c.24257A>G, p.Asp8086Gly (NM_001256850.1); c.21476A>G, p.Asp7159Gly (NM_133378.4); c.13282+20416A>G (NM_003319.4); c.13858+20416A>G (NM_133437.4); c.13657+20416A>G (NM_133432.3); short protein forms D7159G, D8086G, D8403G.
Identifiers: ClinVar variation 2651679 (VCV002651679.24), dbSNP rs758110981, ClinGen allele CA2000265.
Genomic context (GRCh38, chr2:178,717,666, plus strand): 5'-TCAGTTTGTAAAATCTGAAGAGTTGCTACATTATGAACAAAAGATGTCTGCAAATTAGCA[T>C]CATCTTTCAAAAGAACCCCATCCTTGTACCAAGACACTTGAAGAGGTTCTGAGCCATTGA-3'
Protein context (NP_001254479.2, residues 8393-8413): WYKDGVLLKD[Asp8403Gly]ANLQTSFVHN